The following is an entry in ClinVar:

NM_000059.4(BRCA2):c.9899C>A (p.Pro3300Gln)

Gene: BRCA2 (BRCA2 DNA repair associated; plus strand). Cytogenetic location: 13q13.1.
Variant type: single nucleotide variant.
Coding change: c.9899C>A on transcript NM_000059.4 (MANE Select); coding-DNA position 9899, C replaced by A.
Protein change: p.Pro3300Gln; replaces proline 3300 with glutamine.
Molecular consequence: missense variant.
Genome position (GRCh38, 1-based): chr13:32,398,412, C>A. VCF-style: chr13-32398412-C-A. GRCh37 (hg19) VCF-style: chr13-32972549-C-A.
Other names: short protein forms P3300Q.
Identifiers: ClinVar variation 823541 (VCV000823541.5), dbSNP rs544677125, ClinGen allele CA247509151.

ClinVar aggregate classification (germline): Uncertain significance (1 of 4 stars; one submission).

Conditions:
Hereditary cancer-predisposing syndrome. Also called: Neoplastic Syndromes, Hereditary; Tumor predisposition; Hereditary neoplastic syndrome; Hereditary Cancer Syndrome. Identifiers: Orphanet 140162, MedGen C0027672, MeSH D009386, MONDO:0015356.

Allele frequency attached by ClinVar (database versions not stated): gnomAD exomes below 0.00001; gnomAD 0.00001; 1000 Genomes Project 30x 0.00016; 1000 Genomes Project 0.00020.
gnomAD v4.1: 1 of 1,614,148 alleles (0.000062%); highest among the groups gnomAD compares: East Asian, 0.0022%; no homozygotes.

Submission:

Ambry Genetics
Classification: Uncertain significance for Hereditary cancer-predisposing syndrome. Last evaluated: 2023-03-10. Review status: criteria provided, single submitter. Criteria: Ambry Variant Classification Scheme 2023. Collection method: clinical testing. Allele origin: germline.
Comment: The p.P3300Q variant (also known as c.9899C>A), located in coding exon 26 of the BRCA2 gene, results from a C to A substitution at nucleotide position 9899. The proline at codon 3300 is replaced by glutamine, an amino acid with similar properties. This amino acid position is highly conserved in available vertebrate species. In addition, this alteration is predicted to be tolerated by in silico analysis. Since supporting evidence is limited at this time, the clinical significance of this alteration remains unclear.